The following is an entry in ClinVar:

NM_000823.4(GHRHR):c.22dup (p.Ala8fs)

Gene: GHRHR (growth hormone releasing hormone receptor; plus strand). Cytogenetic location: 7p14.3.
Variant type: Duplication.
Coding change: c.22dup on transcript NM_000823.4 (MANE Select); coding-DNA position 22, one base duplicated (G; older notation c.22dupG).
Protein change: p.Ala8fs; shifts the reading frame from alanine 8.
Molecular consequence: frameshift variant.
Genome position (GRCh38, 1-based): chr7:30,964,090, G duplicated; the last of 6 consecutive G bases (chr7:30,964,085-30,964,090); duplicating any one gives the same sequence. VCF-style (leftmost placement, unchanged base first): chr7-30964084-T-TG. GRCh37 (hg19) VCF-style: chr7-31003699-T-TG.
Other names: short protein forms A8fs.
Identifiers: ClinVar variation 1459534 (VCV001459534.6), dbSNP rs1381777610, ClinGen allele CA573469223.

ClinVar aggregate classification (germline): Pathogenic (1 of 4 stars; one submission).

Submission:

Labcorp Genetics (formerly Invitae), Labcorp
Classification: Pathogenic. Last evaluated: 2024-12-09. Review status: criteria provided, single submitter. Criteria: Invitae Variant Classification Sherloc (09022015). Collection method: clinical testing. Allele origin: germline.
Comment: This sequence change creates a premature translational stop signal (p.Ala8Glyfs*22) in the GHRHR gene. It is expected to result in an absent or disrupted protein product. Loss-of-function variants in GHRHR are known to be pathogenic (PMID: 12444890, 16355809). The frequency data for this variant in the population databases is considered unreliable, as metrics indicate poor data quality at this position in the gnomAD database. This premature translational stop signal has been observed in individual(s) with isolated growth hormone deficiency (PMID: 31231873). ClinVar contains an entry for this variant (Variation ID: 1459534). For these reasons, this variant has been classified as Pathogenic.

Literature cited by the submitters: PubMed 12444890; PubMed 16355809; PubMed 31231873.